The following is an entry in ClinVar:

NM_001135254.2(PAX7):c.1193C>T (p.Pro398Leu)

Gene: PAX7 (paired box 7; plus strand). Cytogenetic location: 1p36.13.
Variant type: single nucleotide variant.
Coding change: c.1193C>T on transcript NM_001135254.2 (MANE Select); coding-DNA position 1193, C replaced by T.
Protein change: p.Pro398Leu; replaces proline 398 with leucine.
Molecular consequence: missense variant.
Genome position (GRCh38, 1-based): chr1:18,735,669, C>T. VCF-style: chr1-18735669-C-T. GRCh37 (hg19) VCF-style: chr1-19062163-C-T.
Other names: c.1193C>T (NM_002584.2); c.1193C>T, p.Pro398Leu (NM_002584.3); c.1187C>T, p.Pro396Leu (NM_013945.3); short protein forms P396L, P398L.
Identifiers: ClinVar variation 3025013 (VCV003025013.23), dbSNP rs149436157, ClinGen allele CA645900.

ClinVar aggregate classification (germline): Conflicting classifications of pathogenicity. Review status: criteria provided, conflicting classifications (1 of 4 stars). 2 submissions from 2 submitters: Uncertain significance (1); Likely benign (1). Last evaluated 2025-10-09.

Conditions:
PAX7-related disorder. Also called: PAX7-related condition.

Allele frequency attached by ClinVar (database versions not stated): ExAC 0.00056; gnomAD 0.00075; ESP Exome Variant Server 0.00085; gnomAD exomes 0.00117; TOPMed 0.00136.

Submissions (2):

PreventionGenetics, part of Exact Sciences
Classification: Likely benign for PAX7-related condition. Last evaluated: 2025-10-09. Review status: criteria provided, single submitter. Criteria: ACMG Guidelines, 2015. Collection method: clinical testing. Allele origin: germline.
Comment: This variant is classified as likely benign based on ACMG/AMP sequence variant interpretation guidelines (Richards et al. 2015 PMID: 25741868, with internal and published modifications).

CeGaT Center for Human Genetics Tuebingen
Classification: Uncertain significance. Last evaluated: 2024-02-01. Review status: criteria provided, single submitter. Criteria: CeGaT Center For Human Genetics Tuebingen Variant Classification Criteria Version 2. Collection method: clinical testing. Allele origin: germline. Affected: yes. Observed: 1 variant allele.